The following is an entry in ClinVar:

ClinVar aggregate classification (germline): Likely benign (0 of 4 stars; one submission).

Conditions:
HLA-B-related disorder. Also called: HLA-B-related condition.

Allele frequency attached by ClinVar (database versions not stated): gnomAD 0.00611; 1000 Genomes Project 30x 0.01312; 1000 Genomes Project 0.02736; gnomAD exomes 0.04157; ESP Exome Variant Server 0.04379; ExAC 0.04759.
gnomAD v4.1: 44,753 of 1,141,880 alleles (3.9%); highest among the groups gnomAD compares: Middle Eastern, 6%; 8,691 homozygotes.

Submission:

PreventionGenetics, part of Exact Sciences
Classification: Likely benign for HLA-B-related condition. Last evaluated: 2020-12-17. Review status: no assertion criteria provided. Collection method: clinical testing. Allele origin: germline.
Comment: This variant is classified as likely benign based on ACMG/AMP sequence variant interpretation guidelines (Richards et al. 2015 PMID: 25741868, with internal and published modifications).

NM_005514.8(HLA-B):c.161A>G (p.Asp54Gly)

Gene: HLA-B (major histocompatibility complex, class I, B; minus strand). Cytogenetic location: 6p21.33.
Variant type: single nucleotide variant.
Coding change: c.161A>G on transcript NM_005514.8 (MANE Select); coding-DNA position 161, A replaced by G.
Protein change: p.Asp54Gly; replaces aspartic acid 54 with glycine.
Molecular consequence: missense variant.
Genome position (GRCh38, 1-based): chr6:31,356,870, T>C on the plus strand (A>G on the coding strand, the complement: HLA-B is on the minus strand). VCF-style: chr6-31356870-T-C. GRCh37 (hg19) VCF-style: chr6-31324647-T-C.
Other names: short protein forms D54G.
Identifiers: ClinVar variation 3055591 (VCV003055591.2), dbSNP rs9266183, ClinGen allele CA3711866.